The following is an entry in ClinVar:

NM_017909.4(RMND1):c.182G>T (p.Gly61Val)

Gene: RMND1 (required for meiotic nuclear division 1 homolog; minus strand). Cytogenetic location: 6q25.1.
Variant type: single nucleotide variant.
Coding change: c.182G>T on transcript NM_017909.4 (MANE Select); coding-DNA position 182, G replaced by T.
Protein change: p.Gly61Val; replaces glycine 61 with valine.
Molecular consequence: missense variant. On other transcripts: intron variant (1).
Genome position (GRCh38, 1-based): chr6:151,445,630, C>A on the plus strand (G>T on the coding strand, the complement: RMND1 is on the minus strand). VCF-style: chr6-151445630-C-A. GRCh37 (hg19) VCF-style: chr6-151766765-C-A.
Other names: c.-7+6386G>T (NM_001271937.2); short protein forms G61V.
Identifiers: ClinVar variation 1511032 (VCV001511032.4), dbSNP rs762150893, ClinGen allele CA4051084.

ClinVar aggregate classification (germline): Uncertain significance (1 of 4 stars; one submission).

Allele frequency attached by ClinVar (database versions not stated): ExAC 0.00001; gnomAD exomes below 0.00001; TOPMed 0.00001.
gnomAD v4.1: 1 of 1,614,152 alleles (0.000062%); highest among the groups gnomAD compares: South Asian, 0.0011%; no homozygotes.

Submission:

Labcorp Genetics (formerly Invitae), Labcorp
Classification: Uncertain significance. Last evaluated: 2021-10-20. Review status: criteria provided, single submitter. Criteria: Invitae Variant Classification Sherloc (09022015). Collection method: clinical testing. Allele origin: germline.
Comment: This variant has not been reported in the literature in individuals affected with RMND1-related conditions. In summary, the available evidence is currently insufficient to determine the role of this variant in disease. Therefore, it has been classified as a Variant of Uncertain Significance. Algorithms developed to predict the effect of missense changes on protein structure and function (SIFT, PolyPhen-2, Align-GVGD) all suggest that this variant is likely to be tolerated. This variant is present in population databases (rs762150893, ExAC 0.006%). This sequence change replaces glycine with valine at codon 61 of the RMND1 protein (p.Gly61Val). The glycine residue is weakly conserved and there is a moderate physicochemical difference between glycine and valine.